The following is an entry in ClinVar:

NM_001330700.2(TOP2B):c.3366T>G (p.Asp1122Glu)

Gene: TOP2B (DNA topoisomerase II beta; minus strand). Cytogenetic location: 3p24.2.
Variant type: single nucleotide variant.
Coding change: c.3366T>G on transcript NM_001330700.2 (MANE Select); coding-DNA position 3366, T replaced by G.
Protein change: p.Asp1122Glu; replaces aspartic acid 1122 with glutamic acid.
Molecular consequence: missense variant.
Genome position (GRCh38, 1-based): chr3:25,615,572, A>C on the plus strand (T>G on the coding strand, the complement: TOP2B is on the minus strand). VCF-style: chr3-25615572-A-C. GRCh37 (hg19) VCF-style: chr3-25657063-A-C.
Other names: c.3351T>G, p.Asp1117Glu (NM_001068.3); short protein forms D1122E, D1117E.
Identifiers: ClinVar variation 1370339 (VCV001370339.8), dbSNP rs2125358695, ClinGen allele CA351895970.
Genomic context (GRCh38, chr3:25,615,572, plus strand): 5'-ATCTGGGCCTGAAGGAGTTCCTGAATCGGAGGAACTATCATCATGCTGGTTTTGTGTTTC[A>C]TCCTCTTCTGCTGCCTGTAAAAAATAACAAACTGTATATTAAAGTCTTGTATAGTATCAA-3'
Protein context (NP_001317629.1, residues 1112-1132): KEAQEKAAEE[Asp1122Glu]ETQNQHDDSS

ClinVar aggregate classification (germline): Uncertain significance (1 of 4 stars; one submission).

Submission:

Labcorp Genetics (formerly Invitae), Labcorp
Classification: Uncertain significance. Last evaluated: 2021-07-27. Review status: criteria provided, single submitter. Criteria: Invitae Variant Classification Sherloc (09022015). Collection method: clinical testing. Allele origin: germline.
Comment: In summary, the available evidence is currently insufficient to determine the role of this variant in disease. Therefore, it has been classified as a Variant of Uncertain Significance. Algorithms developed to predict the effect of missense changes on protein structure and function output the following: SIFT: "Tolerated"; PolyPhen-2: "Benign"; Align-GVGD: "Class C0". The glutamic acid amino acid residue is found in multiple mammalian species, which suggests that this missense change does not adversely affect protein function. This variant has not been reported in the literature in individuals affected with TOP2B-related conditions. This variant is not present in population databases (ExAC no frequency). This sequence change replaces aspartic acid with glutamic acid at codon 1117 of the TOP2B protein (p.Asp1117Glu). The aspartic acid residue is weakly conserved and there is a small physicochemical difference between aspartic acid and glutamic acid.